The following is an entry in ClinVar:

NM_001035.3(RYR2):c.12862T>C (p.Trp4288Arg)

Genes: RYR2 (ryanodine receptor 2; plus strand), LOC126806068 (BRD4-independent group 4 enhancer GRCh37_chr1:237947411-237948610; plus strand). Cytogenetic location: 1q43.
Variant type: single nucleotide variant.
Coding change: c.12862T>C on transcript NM_001035.3 (MANE Select); coding-DNA position 12862, T replaced by C.
Protein change: p.Trp4288Arg; replaces tryptophan 4288 with arginine.
Molecular consequence: missense variant.
Genome position (GRCh38, 1-based): chr1:237,784,574, T>C. VCF-style: chr1-237784574-T-C. GRCh37 (hg19) VCF-style: chr1-237947874-T-C.
Other names: short protein forms W4288R.
Identifiers: ClinVar variation 3069303 (VCV003069303.1), dbSNP rs2527793992, ClinGen allele CA345414488.

ClinVar aggregate classification (germline): Uncertain significance (1 of 4 stars; one submission).

Conditions:
Catecholaminergic polymorphic ventricular tachycardia (CVPT). Also called: Catecholamine-induced polymorphic ventricular tachycardia. Identifiers: Orphanet 3286, MedGen C5574922, MONDO:0017990.

Submission:

All of Us Research Program, National Institutes of Health
Classification: Uncertain significance for Catecholaminergic polymorphic ventricular tachycardia. Last evaluated: 2022-11-28. Review status: criteria provided, single submitter. Criteria: ACMG Guidelines, 2015. Collection method: clinical testing. Allele origin: germline. Inheritance: Autosomal dominant inheritance. Observed: 1 variant allele, 1 heterozygote.
Comment: This study involves interpretation of variants in research participants for the purpose of population health screening. Participant phenotype was not available at the time of variant classification. Additional details can be found in publication PMID: 35346344, PMCID: PMC8962531